The following is an entry in ClinVar:

ClinVar aggregate classification (germline): Uncertain significance (1 of 4 stars; one submission).

gnomAD v4.1: 8 of 1,614,076 alleles (0.0005%); highest among the groups gnomAD compares: Middle Eastern, 0.082%; no homozygotes.

Submission:

Labcorp Genetics (formerly Invitae), Labcorp
Classification: Uncertain significance. Last evaluated: 2022-05-25. Review status: criteria provided, single submitter. Criteria: Invitae Variant Classification Sherloc (09022015). Collection method: clinical testing. Allele origin: germline.
Comment: In summary, the available evidence is currently insufficient to determine the role of this variant in disease. Therefore, it has been classified as a Variant of Uncertain Significance. Algorithms developed to predict the effect of missense changes on protein structure and function (SIFT, PolyPhen-2, Align-GVGD) all suggest that this variant is likely to be tolerated. This variant has not been reported in the literature in individuals affected with RNF31-related conditions. This variant is present in population databases (no rsID available, gnomAD no frequency). This sequence change replaces aspartic acid, which is acidic and polar, with tyrosine, which is neutral and polar, at codon 193 of the RNF31 protein (p.Asp193Tyr).

NM_017999.5(RNF31):c.577G>T (p.Asp193Tyr)

Gene: RNF31 (ring finger protein 31; plus strand). Cytogenetic location: 14q12.
Variant type: single nucleotide variant.
Coding change: c.577G>T on transcript NM_017999.5 (MANE Select); coding-DNA position 577, G replaced by T.
Protein change: p.Asp193Tyr; replaces aspartic acid 193 with tyrosine.
Molecular consequence: missense variant.
Genome position (GRCh38, 1-based): chr14:24,148,822, G>T. VCF-style: chr14-24148822-G-T. GRCh37 (hg19) VCF-style: chr14-24618031-G-T.
Other names: c.124G>T, p.Asp42Tyr (NM_001310332.2); short protein forms D193Y, D42Y.
Identifiers: ClinVar variation 1941258 (VCV001941258.5), dbSNP rs375201462, ClinGen allele CA389289974.